The following is an entry in ClinVar:

ClinVar aggregate classification (germline): Uncertain significance (1 of 4 stars; one submission).

Allele frequency attached by ClinVar (database versions not stated): gnomAD 0.00001.
gnomAD v4.1: 2 of 1,407,298 alleles (0.00014%); highest among the groups gnomAD compares: Admixed American, 0.0036%; no homozygotes.

Submission:

Labcorp Genetics (formerly Invitae), Labcorp
Classification: Uncertain significance. Last evaluated: 2023-12-15. Review status: criteria provided, single submitter. Criteria: Invitae Variant Classification Sherloc (09022015). Collection method: clinical testing. Allele origin: germline.
Comment: This sequence change replaces alanine, which is neutral and non-polar, with glutamic acid, which is acidic and polar, at codon 203 of the NEFH protein (p.Ala203Glu). This variant is not present in population databases (gnomAD no frequency). This variant has not been reported in the literature in individuals affected with NEFH-related conditions. Advanced modeling of protein sequence and biophysical properties (such as structural, functional, and spatial information, amino acid conservation, physicochemical variation, residue mobility, and thermodynamic stability) performed at Invitae indicates that this missense variant is not expected to disrupt NEFH protein function with a negative predictive value of 95%. In summary, the available evidence is currently insufficient to determine the role of this variant in disease. Therefore, it has been classified as a Variant of Uncertain Significance.

NM_021076.4(NEFH):c.608C>A (p.Ala203Glu)

Gene: NEFH (neurofilament heavy chain; plus strand). Cytogenetic location: 22q12.2.
Variant type: single nucleotide variant.
Coding change: c.608C>A on transcript NM_021076.4 (MANE Select); coding-DNA position 608, C replaced by A.
Protein change: p.Ala203Glu; replaces alanine 203 with glutamic acid.
Molecular consequence: missense variant.
Genome position (GRCh38, 1-based): chr22:29,480,870, C>A. VCF-style: chr22-29480870-C-A. GRCh37 (hg19) VCF-style: chr22-29876859-C-A.
Other names: short protein forms A203E.
Identifiers: ClinVar variation 2802352 (VCV002802352.3), dbSNP rs966283308, ClinGen allele CA323083037.